The following is an entry in ClinVar:

NM_020937.4(FANCM):c.3667T>G (p.Cys1223Gly)

Gene: FANCM (FA complementation group M; plus strand). Cytogenetic location: 14q21.2.
Variant type: single nucleotide variant.
Coding change: c.3667T>G on transcript NM_020937.4 (MANE Select); coding-DNA position 3667, T replaced by G.
Protein change: p.Cys1223Gly; replaces cysteine 1223 with glycine.
Molecular consequence: missense variant.
Genome position (GRCh38, 1-based): chr14:45,176,421, T>G. VCF-style: chr14-45176421-T-G. GRCh37 (hg19) VCF-style: chr14-45645624-T-G.
Other names: c.3589T>G, p.Cys1197Gly (NM_001308133.2); c.3667T>G (NM_020937.2); short protein forms C1223G, C1197G.
Identifiers: ClinVar variation 1368265 (VCV001368265.9), dbSNP rs1888703962, ClinGen allele CA389602530.

ClinVar aggregate classification (germline): Uncertain significance. Review status: criteria provided, multiple submitters, no conflicts (2 of 4 stars). 2 submissions from 2 submitters: Uncertain significance (2). Last evaluated 2024-12-02.

Conditions:
Fanconi anemia (FA). Also called: Fanconi's anemia. Identifiers: Orphanet 84, MedGen C0015625, MeSH D005199, MONDO:0019391.
Inborn genetic diseases. Identifiers: MedGen C0950123, MeSH D030342.

Allele frequency attached by ClinVar (database versions not stated): gnomAD exomes below 0.00001; gnomAD 0.00001.
gnomAD v4.1: 2 of 1,613,136 alleles (0.00012%); highest among the groups gnomAD compares: African/African-American, 0.0027%; no homozygotes.

Submissions (2):

Ambry Genetics
Classification: Uncertain significance for Inborn genetic diseases. Last evaluated: 2024-12-02. Review status: criteria provided, single submitter. Criteria: Ambry Variant Classification Scheme 2023. Collection method: clinical testing. Allele origin: germline.
Comment: The p.C1223G variant (also known as c.3667T>G), located in coding exon 14 of the FANCM gene, results from a T to G substitution at nucleotide position 3667. The cysteine at codon 1223 is replaced by glycine, an amino acid with highly dissimilar properties. This amino acid position is conserved. In addition, this alteration is predicted to be tolerated by in silico analysis. Based on the available evidence, the clinical significance of this variant remains unclear.

Labcorp Genetics (formerly Invitae), Labcorp
Classification: Uncertain significance for Fanconi anemia. Last evaluated: 2020-11-17. Review status: criteria provided, single submitter. Criteria: Invitae Variant Classification Sherloc (09022015). Collection method: clinical testing. Allele origin: germline.
Comment: In summary, the available evidence is currently insufficient to determine the role of this variant in disease. Therefore, it has been classified as a Variant of Uncertain Significance. Algorithms developed to predict the effect of missense changes on protein structure and function are either unavailable or do not agree on the potential impact of this missense change (SIFT: "Tolerated"; PolyPhen-2: "Possibly Damaging"; Align-GVGD: "Class C0"). This variant has not been reported in the literature in individuals with FANCM-related conditions. This variant is not present in population databases (ExAC no frequency). This sequence change replaces cysteine with glycine at codon 1223 of the FANCM protein (p.Cys1223Gly). The cysteine residue is weakly conserved and there is a large physicochemical difference between cysteine and glycine.